The following is an entry in ClinVar:

NM_001211.6(BUB1B):c.291T>A (p.Asn97Lys)

Gene: BUB1B (BUB1 mitotic checkpoint serine/threonine kinase B; plus strand). Cytogenetic location: 15q15.1.
Variant type: single nucleotide variant.
Coding change: c.291T>A on transcript NM_001211.6 (MANE Select); coding-DNA position 291, T replaced by A.
Protein change: p.Asn97Lys; replaces asparagine 97 with lysine.
Molecular consequence: missense variant.
Genome position (GRCh38, 1-based): chr15:40,170,588, T>A. VCF-style: chr15-40170588-T-A. GRCh37 (hg19) VCF-style: chr15-40462789-T-A.
Other names: short protein forms N97K.
Identifiers: ClinVar variation 3826121 (VCV003826121.1).

ClinVar aggregate classification (germline): Uncertain significance (1 of 4 stars; one submission).

Conditions:
Inborn genetic diseases. Identifiers: MedGen C0950123, MeSH D030342.

Submission:

Ambry Genetics
Classification: Uncertain significance for Inborn genetic diseases. Last evaluated: 2025-02-16. Review status: criteria provided, single submitter. Criteria: Ambry Variant Classification Scheme 2023. Collection method: clinical testing. Allele origin: germline.
Comment: The p.N97K variant (also known as c.291T>A), located in coding exon 4 of the BUB1B gene, results from a T to A substitution at nucleotide position 291. The asparagine at codon 97 is replaced by lysine, an amino acid with similar properties. This amino acid position is conserved. In addition, this alteration is predicted to be tolerated by in silico analysis. Based on the available evidence, the clinical significance of this variant remains unclear.